The following is an entry in ClinVar:

ClinVar aggregate classification (germline): Uncertain significance (1 of 4 stars; one submission).

Submission:

Labcorp Genetics (formerly Invitae), Labcorp
Classification: Uncertain significance. Last evaluated: 2024-01-06. Review status: criteria provided, single submitter. Criteria: Invitae Variant Classification Sherloc (09022015). Collection method: clinical testing. Allele origin: germline.
Comment: This sequence change replaces methionine, which is neutral and non-polar, with threonine, which is neutral and polar, at codon 36 of the HIVEP2 protein (p.Met36Thr). This variant is not present in population databases (gnomAD no frequency). This variant has not been reported in the literature in individuals affected with HIVEP2-related conditions. Advanced modeling of protein sequence and biophysical properties (such as structural, functional, and spatial information, amino acid conservation, physicochemical variation, residue mobility, and thermodynamic stability) performed at Invitae indicates that this missense variant is not expected to disrupt HIVEP2 protein function with a negative predictive value of 80%. In summary, the available evidence is currently insufficient to determine the role of this variant in disease. Therefore, it has been classified as a Variant of Uncertain Significance.

NM_006734.4(HIVEP2):c.107T>C (p.Met36Thr)

Gene: HIVEP2 (HIVEP zinc finger 2; minus strand). Cytogenetic location: 6q24.2.
Variant type: single nucleotide variant.
Coding change: c.107T>C on transcript NM_006734.4 (MANE Select); coding-DNA position 107, T replaced by C.
Protein change: p.Met36Thr; replaces methionine 36 with threonine.
Molecular consequence: missense variant.
Genome position (GRCh38, 1-based): chr6:142,774,632, A>G on the plus strand (T>C on the coding strand, the complement: HIVEP2 is on the minus strand). VCF-style: chr6-142774632-A-G. GRCh37 (hg19) VCF-style: chr6-143095769-A-G.
Other names: short protein forms M36T.
Identifiers: ClinVar variation 2697003 (VCV002697003.3), dbSNP rs2482859649, ClinGen allele CA365916780.